The following is an entry in ClinVar:

NM_016120.4(RLIM):c.1490A>G (p.Asn497Ser)

Gene: RLIM (ring finger protein, LIM domain interacting; minus strand). Cytogenetic location: Xq13.2.
Variant type: single nucleotide variant.
Coding change: c.1490A>G on transcript NM_016120.4 (MANE Select); coding-DNA position 1490, A replaced by G.
Protein change: p.Asn497Ser; replaces asparagine 497 with serine.
Molecular consequence: missense variant.
Genome position (GRCh38, 1-based): chrX:74,591,825, T>C on the plus strand (A>G on the coding strand, the complement: RLIM is on the minus strand). VCF-style: chrX-74591825-T-C. GRCh37 (hg19) VCF-style: chrX-73811660-T-C.
Other names: c.1490A>G, p.Asn497Ser (NM_183353.3); short protein forms N497S.
Identifiers: ClinVar variation 1333443 (VCV001333443.1), dbSNP rs2147371855, ClinGen allele CA413660041.

ClinVar aggregate classification (germline): Uncertain significance (1 of 4 stars; one submission).

Conditions:
Intellectual disability, X-linked 61 (TOKAS). Also called: TONNE-KALSCHEUER SYNDROME. Identifiers: MedGen C4283894, MONDO:0010506, OMIM 300978.

Allele frequency attached by ClinVar (database versions not stated): gnomAD 0.00001.
gnomAD v4.1: 1 of 1,209,651 alleles (0.000083%); highest among the groups gnomAD compares: East Asian, 0.003%; no homozygotes.

Submission:

3billion
Classification: Uncertain significance for Intellectual disability, X-linked 61. Last evaluated: 2022-01-03. Review status: criteria provided, single submitter. Criteria: ACMG Guidelines, 2015. Collection method: clinical testing. Allele origin: germline. Affected: yes. Observed: 1 hemizygote.
Comment: The variant is not observed in the gnomAD v2.1.1 dataset (PM2_M). A missense variant is a common mechanism associated with Tonne-Kalscheuer syndrome (PP2_P). Therefore, this variant is classified as uncertain significance according to the recommendation of ACMG/AMP guideline.